The following is an entry in ClinVar:

NM_016026.4(RDH11):c.601G>A (p.Ala201Thr)

Genes: RDH11 (retinol dehydrogenase 11; minus strand), GPHN (gephyrin; plus strand). Cytogenetic location: 14q24.1.
Variant type: single nucleotide variant.
Coding change: c.601G>A on transcript NM_016026.4 (MANE Select); coding-DNA position 601, G replaced by A.
Protein change: p.Ala201Thr; replaces alanine 201 with threonine.
Molecular consequence: missense variant. On other transcripts: intron variant (1).
Genome position (GRCh38, 1-based): chr14:67,690,275, C>T on the plus strand (G>A on the coding strand, the complement: RDH11 is on the minus strand). VCF-style: chr14-67690275-C-T. GRCh37 (hg19) VCF-style: chr14-68156992-C-T.
Other names: c.454+865G>A (NM_001252650.2); short protein forms A201T.
Identifiers: ClinVar variation 3619941 (VCV003619941.2).
Genomic context (GRCh38, chr14:67,690,275, plus strand): 5'-TTAGTCTCCGGGCCAGTTCCTGGGTGAAGAGGATGTTGGCTAGCTTGCTGTGACAGTAGG[C>T]CAGGCCTGCATTGTAGAATTTCTCGCCCTGCAGGTTATGGAAGTGGATCCTTCCCAGGTG-3'
Protein context (NP_057110.3, residues 191-211): QGEKFYNAGL[Ala201Thr]YCHSKLANIL

ClinVar aggregate classification (germline): Uncertain significance (1 of 4 stars; one submission).

gnomAD v4.1: 2 of 1,614,112 alleles (0.00012%); highest among the groups gnomAD compares: Non-Finnish European, 0.00017%; no homozygotes.

Submission:

Labcorp Genetics (formerly Invitae), Labcorp
Classification: Uncertain significance. Last evaluated: 2024-10-17. Review status: criteria provided, single submitter. Criteria: Invitae Variant Classification Sherloc (09022015). Collection method: clinical testing. Allele origin: germline.
Comment: This sequence change replaces alanine, which is neutral and non-polar, with threonine, which is neutral and polar, at codon 201 of the RDH11 protein (p.Ala201Thr). This variant is not present in population databases (gnomAD no frequency). This variant has not been reported in the literature in individuals affected with RDH11-related conditions. An algorithm developed to predict the effect of missense changes on protein structure and function (PolyPhen-2) suggests that this variant is likely to be disruptive. In summary, the available evidence is currently insufficient to determine the role of this variant in disease. Therefore, it has been classified as a Variant of Uncertain Significance.